The following is an entry in ClinVar:

ClinVar aggregate classification (germline): Benign/Likely benign. Review status: criteria provided, multiple submitters, no conflicts (2 of 4 stars). 6 submissions from 6 submitters: Benign (1); Likely benign (5). Last evaluated 2025-08-15.

Conditions:
Hereditary nonpolyposis colorectal neoplasms. Identifiers: MedGen C0009405, MeSH D003123.
Hereditary cancer-predisposing syndrome. Also called: Tumor predisposition; Hereditary neoplastic syndrome; Neoplastic Syndromes, Hereditary; Hereditary Cancer Syndrome. Identifiers: Orphanet 140162, MedGen C0027672, MeSH D009386, MONDO:0015356.
Lynch syndrome 5 (LYNCH5). Also called: Colorectal cancer, hereditary nonpolyposis, type 5; Hereditary non-polyposis colorectal cancer, type 5. Identifiers: Orphanet 144, MedGen C1833477, MONDO:0013710, OMIM 614350. Disease mechanism: loss of function.

Allele frequency attached by ClinVar (database versions not stated): TOPMed 0.00001; ExAC 0.00002; gnomAD 0.00002; gnomAD exomes 0.00002.
gnomAD v4.1: 16 of 1,613,132 alleles (0.00099%); highest among the groups gnomAD compares: South Asian, 0.0077%; no homozygotes.

Submissions (6):

Labcorp Genetics (formerly Invitae), Labcorp
Classification: Likely benign for Hereditary nonpolyposis colorectal neoplasms. Last evaluated: 2025-08-15. Review status: criteria provided, single submitter. Criteria: Invitae Variant Classification Sherloc (09022015). Collection method: clinical testing. Allele origin: germline.

Myriad Genetics, Inc.
Classification: Benign for Lynch syndrome 5. Last evaluated: 2025-01-08. Review status: criteria provided, single submitter. Criteria: Myriad Autosomal Dominant, Autosomal Recessive and X-Linked Classification Criteria (2023). Collection method: clinical testing. Allele origin: unknown.
Comment: This variant is considered benign. This variant is a silent/synonymous amino acid change and it is not expected to impact splicing.

GeneDx
Classification: Likely benign. Last evaluated: 2020-02-28. Review status: criteria provided, single submitter. Criteria: GeneDx Variant Classification Process June 2021. Collection method: clinical testing. Allele origin: germline. Affected: yes.

Women's Health and Genetics/Laboratory Corporation of America, LabCorp
Classification: Likely benign. Last evaluated: 2019-08-29. Review status: criteria provided, single submitter. Criteria: LabCorp Variant Classification Summary - May 2015. Collection method: clinical testing. Allele origin: germline.

Ambry Genetics
Classification: Likely benign for Hereditary cancer-predisposing syndrome. Last evaluated: 2019-03-21. Review status: criteria provided, single submitter. Criteria: Ambry Variant Classification Scheme 2023. Collection method: clinical testing. Allele origin: germline.

Color Diagnostics, LLC DBA Color Health
Classification: Likely benign for Hereditary cancer-predisposing syndrome. Last evaluated: 2018-03-16. Review status: criteria provided, single submitter. Criteria: ACMG Guidelines, 2015. Collection method: clinical testing. Allele origin: germline.

NM_000179.3(MSH6):c.3951T>C (p.His1317=)

Gene: MSH6 (mutS homolog 6; plus strand). Cytogenetic location: 2p16.3.
Variant type: single nucleotide variant.
Coding change: c.3951T>C on transcript NM_000179.3 (MANE Select); coding-DNA position 3951, T replaced by C.
Protein change: p.His1317=; no amino-acid change (histidine 1317 retained).
Molecular consequence: synonymous variant.
Genome position (GRCh38, 1-based): chr2:47,806,601, T>C. VCF-style: chr2-47806601-T-C. GRCh37 (hg19) VCF-style: chr2-48033740-T-C.
Other names: c.3561T>C, p.His1187= (NM_001281492.2); c.3045T>C, p.His1015= (NM_001281493.2, NM_001281494.2).
Identifiers: ClinVar variation 379189 (VCV000379189.20), dbSNP rs764786814, ClinGen allele CA072368.
Genomic context (GRCh38, chr2:47,806,601, plus strand): 5'-CTATGGCTTTAATGCAGCAAGGCTTGCTAATCTCCCAGAGGAAGTTATTCAAAAGGGACA[T>C]AGAAAAGCAAGAGAATTTGAGAAGATGAATCAGTCACTACGATTATTTCGGTAACTAACT-3'
Protein context (NP_000170.1, residues 1307-1327): NLPEEVIQKG[His1317=]RKAREFEKMN